The following is an entry in ClinVar:

NM_014391.3(ANKRD1):c.651+1G>A

Gene: ANKRD1 (ankyrin repeat domain 1; minus strand). Cytogenetic location: 10q23.31.
Variant type: single nucleotide variant.
Coding change: c.651+1G>A on transcript NM_014391.3 (MANE Select); the canonical splice donor site of the intron after coding-DNA position 651, G replaced by A.
Molecular consequence: splice donor variant.
Genome position (GRCh38, 1-based): chr10:90,916,170, C>T on the plus strand (G>A on the coding strand, the complement: ANKRD1 is on the minus strand). VCF-style: chr10-90916170-C-T. GRCh37 (hg19) VCF-style: chr10-92675927-C-T.
Identifiers: ClinVar variation 3643034 (VCV003643034.2).

ClinVar aggregate classification (germline): Uncertain significance (1 of 4 stars; one submission).

Conditions:
ANKRD1-related dilated cardiomyopathy. Identifiers: MedGen CN119551.

gnomAD v4.1: 1 of 1,610,584 alleles (0.000062%); highest among the groups gnomAD compares: Admixed American, 0.0017%; no homozygotes.

Submission:

Labcorp Genetics (formerly Invitae), Labcorp
Classification: Uncertain significance for ANKRD1-related dilated cardiomyopathy. Last evaluated: 2024-05-08. Review status: criteria provided, single submitter. Criteria: Invitae Variant Classification Sherloc (09022015). Collection method: clinical testing. Allele origin: germline.
Comment: This sequence change affects a donor splice site in intron 6 of the ANKRD1 gene. It is expected to disrupt RNA splicing. Variants that disrupt the donor or acceptor splice site typically lead to a loss of protein function (PMID: 16199547), however the current clinical and genetic evidence is not sufficient to establish whether loss-of-function variants in ANKRD1 cause disease. This variant is present in population databases (no rsID available, gnomAD 0.003%). Disruption of this splice site has been observed in individual(s) with dilated cardiomyopathy (PMID: 36178741). Algorithms developed to predict the effect of sequence changes on RNA splicing suggest that this variant may disrupt the consensus splice site. In summary, the available evidence is currently insufficient to determine the role of this variant in disease. Therefore, it has been classified as a Variant of Uncertain Significance.

Literature cited by the submitters: PubMed 16199547; PubMed 36178741.